The following is an entry in ClinVar:

ClinVar aggregate classification (germline): Pathogenic (1 of 4 stars; one submission).

Conditions:
Mucolipidosis type IV (ML4). Also called: ML IV. Identifiers: Orphanet 578, MedGen C0238286, MONDO:0009653, OMIM 252650.

Submission:

Myriad Genetics, Inc.
Classification: Pathogenic for Mucolipidosis type IV. Last evaluated: 2023-09-21. Review status: criteria provided, single submitter. Criteria: Myriad Autosomal Dominant, Autosomal Recessive and X-Linked Classification Criteria (2023). Collection method: clinical testing. Allele origin: unknown.
Comment: NM_020533.2(MCOLN1):c.957_958insG(L320Afs*143) is expected to be pathogenic in the context of mucolipidosis IV. This variant is predicted to lead to an abnormal or absent protein product due to the creation of a premature termination codon in MCOLN1, a gene where loss-of-function variants are known to be pathogenic. Please note: this variant was assessed in the context of healthy population screening.

NM_020533.3(MCOLN1):c.957_958insG (p.Leu320fs)

Gene: MCOLN1 (mucolipin TRP cation channel 1; plus strand). Cytogenetic location: 19p13.2.
Variant type: Insertion.
Coding change: c.957_958insG on transcript NM_020533.3 (MANE Select); coding-DNA positions 957 to 958, G inserted.
Protein change: p.Leu320fs; shifts the reading frame from leucine 320.
Molecular consequence: frameshift variant.
Genome position: GRCh38 VCF-style: chr19-7528676-A-AG. GRCh37 (hg19) VCF-style: chr19-7593562-A-AG.
Other names: short protein forms L320fs.
Identifiers: ClinVar variation 5011705 (VCV005011705.1).
Genomic context (GRCh38, chr19:7,528,676, plus strand): 5'-CCTGTTTGACGTGGTGGTCATCCTCACCTGCTCCCTGTCCTTCCTCCTCTGCGCCCGCTC[A>AG]CTCCTTCGAGGCTTCCTGCTGCAGAACGTGAGGCTTCTGCGTCATGTGTGCTGGTGTCCT-3'